The following is an entry in ClinVar:

ClinVar aggregate classification (germline): Uncertain significance (1 of 4 stars; one submission).

Conditions:
MYO5B-related disorder. Also called: MYO5B-related condition.

gnomAD v4.1: 44 of 1,613,888 alleles (0.0027%); highest among the groups gnomAD compares: South Asian, 0.046%; no homozygotes.

Submission:

PreventionGenetics, part of Exact Sciences
Classification: Uncertain significance for MYO5B-related condition. Last evaluated: 2026-04-21. Review status: criteria provided, single submitter. Criteria: ACMG Guidelines, 2015. Collection method: clinical testing. Allele origin: germline.
Comment: The MYO5B c.5018T>C variant is predicted to result in the amino acid substitution p.Leu1673Ser. To our knowledge, this variant has not been reported in the literature. This variant is reported in 0.036% of alleles in individuals of South Asian descent in gnomAD. At this time, the clinical significance of this variant is uncertain due to the absence of conclusive functional and genetic evidence.

NM_001080467.3(MYO5B):c.5018T>C (p.Leu1673Ser)

Genes: MYO5B (myosin VB; minus strand), SNHG22 (small nucleolar RNA host gene 22; plus strand). Cytogenetic location: 18q21.1.
Variant type: single nucleotide variant.
Coding change: c.5018T>C on transcript NM_001080467.3 (MANE Select); coding-DNA position 5018, T replaced by C.
Protein change: p.Leu1673Ser; replaces leucine 1673 with serine.
Molecular consequence: missense variant.
Genome position (GRCh38, 1-based): chr18:49,837,637, A>G on the plus strand (T>C on the coding strand, the complement: MYO5B is on the minus strand). VCF-style: chr18-49837637-A-G. GRCh37 (hg19) VCF-style: chr18-47364007-A-G.
Other names: short protein forms L1673S.
Identifiers: ClinVar variation 4980167 (VCV004980167.1).